The following is an entry in ClinVar:

ClinVar aggregate classification (germline): Pathogenic (3 of 4 stars; one submission).

Conditions:
Breast-ovarian cancer, familial, susceptibility to, 1 (BROVCA1). Also called: BRCA1 Hereditary Breast and Ovarian Cancer; OVARIAN CANCER, SUSCEPTIBILITY TO. Identifiers: Orphanet 145, MedGen C2676676, MONDO:0011450, OMIM 604370. Disease mechanism: loss of function.

Submission:

Evidence-based Network for the Interpretation of Germline Mutant Alleles (ENIGMA)
Classification: Pathogenic for Breast-ovarian cancer, familial, susceptibility to, 1. Last evaluated: 2017-12-15. Review status: reviewed by expert panel. Criteria: ENIGMA BRCA1/2 Classification Criteria (2017-06-29). Collection method: curation. Allele origin: germline. Study: ENIGMA.
Comment: Variant allele predicted to encode a truncated non-functional protein.

NM_007294.4(BRCA1):c.2488_2489insCCCCT (p.Lys830fs)

Gene: BRCA1 (BRCA1 DNA repair associated; minus strand). Cytogenetic location: 17q21.31.
Variant type: Insertion.
Coding change: c.2488_2489insCCCCT on transcript NM_007294.4 (MANE Select); coding-DNA positions 2488 to 2489, CCCCT inserted.
Protein change: p.Lys830fs; shifts the reading frame from lysine 830.
Molecular consequence: frameshift variant. On other transcripts: intron variant (137).
Genome position: GRCh38 VCF-style: chr17-43093042-T-TAGGGG. GRCh37 (hg19) VCF-style: chr17-41245059-T-TAGGGG.
Other names: c.784+1701_784+1702insCCCCT (NM_001407986.1, NM_001407972.1, NM_001408397.1 and 13 more transcripts); c.664+1701_664+1702insCCCCT (NM_001408441.1, NM_001408437.1, NM_001408429.1 and 12 more transcripts); c.787+1701_787+1702insCCCCT (NM_001407979.1, NM_001407977.1, NM_001407982.1 and 17 more transcripts); c.646+1701_646+1702insCCCCT (NM_001408410.1, NM_001408458.1, NM_001408469.1 and 11 more transcripts); c.709+1701_709+1702insCCCCT (NM_001408415.1, NM_001408412.1, NM_001408409.1 and 2 more transcripts); c.577+1701_577+1702insCCCCT (NM_001408483.1, NM_001408481.1, NM_001408480.1 and 9 more transcripts); c.2275_2276insCCCCT, p.Lys759fs (NM_001407571.1, NM_001407853.1, NM_001407894.1 and 9 more transcripts); c.2488_2489insCCCCT, p.Lys830fs (NM_001407581.1, NM_001407582.1, NM_001407583.1 and 30 more transcripts); and 41 more; short protein forms K830fs, K783fs, K719fs, K741fs, K759fs, K763fs, K804fs, K827fs.
Identifiers: ClinVar variation 548206 (VCV000548206.2), dbSNP rs1555589565, ClinGen allele CA658824007.